The following is an entry in ClinVar:

ClinVar aggregate classification (germline): Uncertain significance (1 of 4 stars; one submission).

Allele frequency attached by ClinVar (database versions not stated): TOPMed below 0.00001; ExAC 0.00001; gnomAD 0.00001.

Submission:

GeneDx
Classification: Uncertain significance. Last evaluated: 2023-06-15. Review status: criteria provided, single submitter. Criteria: GeneDx Variant Classification Process June 2021. Collection method: clinical testing. Allele origin: germline. Affected: yes.
Comment: In silico analysis supports that this missense variant has a deleterious effect on protein structure/function; Has not been previously published as pathogenic or benign to our knowledge

NM_001303052.2(MYT1L):c.2752G>A (p.Gly918Ser)

Gene: MYT1L (myelin transcription factor 1 like; minus strand). Cytogenetic location: 2p25.3.
Variant type: single nucleotide variant.
Coding change: c.2752G>A on transcript NM_001303052.2 (MANE Select); coding-DNA position 2752, G replaced by A.
Protein change: p.Gly918Ser; replaces glycine 918 with serine.
Molecular consequence: missense variant.
Genome position (GRCh38, 1-based): chr2:1,851,663, C>T on the plus strand (G>A on the coding strand, the complement: MYT1L is on the minus strand). VCF-style: chr2-1851663-C-T. GRCh37 (hg19) VCF-style: chr2-1855435-C-T.
Other names: c.2752G>A, p.Gly918Ser (NM_001329844.2, NM_001329845.1, NM_001329851.3); c.2746G>A, p.Gly916Ser (NM_001329846.3, NM_001329847.2, NM_001329848.1 and 3 more transcripts); short protein forms G916S, G918S.
Identifiers: ClinVar variation 3252874 (VCV003252874.1), dbSNP rs757158743.